The following is an entry in ClinVar:

ClinVar aggregate classification (germline): Benign. Review status: criteria provided, single submitter (1 of 4 stars). 2 submissions from 2 submitters: Benign (1). 1 of the submissions does not count toward it. Last evaluated 2026-01-05.

Conditions:
GABRA2-related disorder. Also called: GABRA2-related condition.

Submissions (2):

Labcorp Genetics (formerly Invitae), Labcorp
Classification: Benign. Last evaluated: 2026-01-05. Review status: criteria provided, single submitter. Criteria: Invitae Variant Classification Sherloc (09022015). Collection method: clinical testing. Allele origin: germline.

PreventionGenetics, part of Exact Sciences
Classification: Likely benign for GABRA2-related condition. Last evaluated: 2019-06-06. Review status: no assertion criteria provided. Collection method: clinical testing. Allele origin: germline. Not counted in ClinVar's aggregate classification.
Comment: This variant is classified as likely benign based on ACMG/AMP sequence variant interpretation guidelines (Richards et al. 2015 PMID: 25741868, with internal and published modifications).

NM_000807.4(GABRA2):c.560-3T>C

Gene: GABRA2 (gamma-aminobutyric acid type A receptor subunit alpha2; minus strand). Cytogenetic location: 4p12.
Variant type: single nucleotide variant.
Coding change: c.560-3T>C on transcript NM_000807.4 (MANE Select); 3 bases into the intron before coding-DNA position 560, T replaced by C.
Molecular consequence: intron variant.
Genome position (GRCh38, 1-based): chr4:46,305,714, A>G on the plus strand (T>C on the coding strand, the complement: GABRA2 is on the minus strand). VCF-style: chr4-46305714-A-G. GRCh37 (hg19) VCF-style: chr4-46307731-A-G.
Other names: c.560-3T>C (NM_000807.3, NM_001377146.1, NM_001377145.1 and 9 more transcripts); c.395-3T>C (NM_001377154.1, NM_001377152.1, NM_001286827.3 and 1 more transcripts).
Identifiers: ClinVar variation 2961983 (VCV002961983.5), dbSNP rs2109643879, ClinGen allele CA2510909710.
Genomic context (GRCh38, chr4:46,305,714, plus strand): 5'-ACTGAATCAGATGCATTGTAAGTCCAAATATAAGTGACCTCTGAAGTTGTATATGCATCT[A>G]TAGGAAATCAGAAAAAATATTTTAAGCATTTTAGTAAGAACCATCAATCTAGTGCTACAC-3'